The following is an entry in ClinVar:

ClinVar aggregate classification (germline): Uncertain significance (1 of 4 stars; one submission).

Conditions:
Baller-Gerold syndrome (BGS). Also called: CRANIOSYNOSTOSIS WITH RADIAL DEFECTS. Identifiers: Orphanet 1225, MedGen C0265308, MONDO:0009039, OMIM 218600.

Submission:

Labcorp Genetics (formerly Invitae), Labcorp
Classification: Uncertain significance for Baller-Gerold syndrome. Last evaluated: 2019-09-20. Review status: criteria provided, single submitter. Criteria: Invitae Variant Classification Sherloc (09022015). Collection method: clinical testing. Allele origin: germline.
Comment: This variant is not present in population databases (ExAC no frequency). This sequence change replaces glutamic acid with aspartic acid at codon 1126 of the RECQL4 protein (p.Glu1126Asp). The glutamic acid residue is moderately conserved and there is a small physicochemical difference between glutamic acid and aspartic acid. This variant has not been reported in the literature in individuals with RECQL4-related conditions. In summary, the available evidence is currently insufficient to determine the role of this variant in disease. Therefore, it has been classified as a Variant of Uncertain Significance. Algorithms developed to predict the effect of missense changes on protein structure and function are either unavailable or do not agree on the potential impact of this missense change (SIFT: "Tolerated"; PolyPhen-2: "Not Available"; Align-GVGD: "Class C0").

NM_004260.4(RECQL4):c.3378G>T (p.Glu1126Asp)

Gene: RECQL4 (RecQ like helicase 4; minus strand). Cytogenetic location: 8q24.3.
Variant type: single nucleotide variant.
Coding change: c.3378G>T on transcript NM_004260.4 (MANE Select); coding-DNA position 3378, G replaced by T.
Protein change: p.Glu1126Asp; replaces glutamic acid 1126 with aspartic acid.
Molecular consequence: missense variant.
Genome position (GRCh38, 1-based): chr8:144,511,926, C>A on the plus strand (G>T on the coding strand, the complement: RECQL4 is on the minus strand). VCF-style: chr8-144511926-C-A. GRCh37 (hg19) VCF-style: chr8-145737309-C-A.
Other names: short protein forms E1126D.
Identifiers: ClinVar variation 935543 (VCV000935543.5), dbSNP rs1827286724, ClinGen allele CA372668059.